The following is an entry in ClinVar:

NM_006031.6(PCNT):c.5920G>A (p.Ala1974Thr)

Gene: PCNT (pericentrin; plus strand). Cytogenetic location: 21q22.3.
Variant type: single nucleotide variant.
Coding change: c.5920G>A on transcript NM_006031.6 (MANE Select); coding-DNA position 5920, G replaced by A.
Protein change: p.Ala1974Thr; replaces alanine 1974 with threonine.
Molecular consequence: missense variant.
Genome position (GRCh38, 1-based): chr21:46,411,993, G>A. VCF-style: chr21-46411993-G-A. GRCh37 (hg19) VCF-style: chr21-47831907-G-A.
Other names: c.5566G>A, p.Ala1856Thr (NM_001315529.2); short protein forms A1856T, A1974T.
Identifiers: ClinVar variation 2403412 (VCV002403412.7), dbSNP rs368622182, ClinGen allele CA10080123.

ClinVar aggregate classification (germline): Uncertain significance. Review status: criteria provided, multiple submitters, no conflicts (2 of 4 stars). 3 submissions from 3 submitters: Uncertain significance (2). 1 of the submissions does not count toward it. Last evaluated 2025-04-17.

Conditions:
PCNT-related disorder. Also called: PCNT-related condition.
Inborn genetic diseases. Identifiers: MedGen C0950123, MeSH D030342.

gnomAD v4.1: 91 of 1,605,316 alleles (0.0057%); highest among the groups gnomAD compares: African/African-American, 0.043%; no homozygotes.

Submissions (3):

Labcorp Genetics (formerly Invitae), Labcorp
Classification: Uncertain significance. Last evaluated: 2025-04-17. Review status: criteria provided, single submitter. Criteria: Invitae Variant Classification Sherloc (09022015). Collection method: clinical testing. Allele origin: germline.
Comment: This sequence change replaces alanine, which is neutral and non-polar, with threonine, which is neutral and polar, at codon 1974 of the PCNT protein (p.Ala1974Thr). This variant is present in population databases (rs368622182, gnomAD 0.04%). This variant has not been reported in the literature in individuals affected with PCNT-related conditions. ClinVar contains an entry for this variant (Variation ID: 2403412). An algorithm developed to predict the effect of missense changes on protein structure and function (PolyPhen-2) suggests that this variant is likely to be disruptive. In summary, the available evidence is currently insufficient to determine the role of this variant in disease. Therefore, it has been classified as a Variant of Uncertain Significance.

Ambry Genetics
Classification: Uncertain significance for Inborn genetic diseases. Last evaluated: 2024-08-05. Review status: criteria provided, single submitter. Criteria: Ambry Variant Classification Scheme 2023. Collection method: clinical testing. Allele origin: germline.

PreventionGenetics, part of Exact Sciences
Classification: Uncertain significance for PCNT-related condition. Last evaluated: 2024-07-23. Review status: no assertion criteria provided. Collection method: clinical testing. Allele origin: germline. Not counted in ClinVar's aggregate classification.
Comment: The PCNT c.5920G>A variant is predicted to result in the amino acid substitution p.Ala1974Thr. To our knowledge, this variant has not been reported in the literature. This variant is reported in 0.038% of alleles in individuals of African descent in gnomAD. At this time, the clinical significance of this variant is uncertain due to the absence of conclusive functional and genetic evidence.